The following is an entry in ClinVar:

ClinVar aggregate classification (germline): Uncertain significance (1 of 4 stars; one submission).

gnomAD v4.1: 1 of 1,613,252 alleles (0.000062%); highest among the groups gnomAD compares: Non-Finnish European, 0.000085%; no homozygotes.

Submission:

GeneDx
Classification: Uncertain significance. Last evaluated: 2022-02-01. Review status: criteria provided, single submitter. Criteria: GeneDx Variant Classification Process June 2021. Collection method: clinical testing. Allele origin: germline. Affected: yes.
Comment: Not observed at significant frequency in large population cohorts (gnomAD); Missense variant in a gene in which most reported pathogenic variants are truncating/loss-of-function; Has not been previously published as pathogenic or benign to our knowledge; This variant is associated with the following publications: (PMID: 23975875)

NM_001267550.2(TTN):c.26521G>C (p.Val8841Leu)

Gene: TTN (titin; minus strand). Cytogenetic location: 2q31.2.
Variant type: single nucleotide variant.
Coding change: c.26521G>C on transcript NM_001267550.2 (MANE Select); coding-DNA position 26521, G replaced by C.
Protein change: p.Val8841Leu; replaces valine 8841 with leucine.
Molecular consequence: missense variant. On other transcripts: intron variant (3).
Genome position (GRCh38, 1-based): chr2:178,714,137, C>G on the plus strand (G>C on the coding strand, the complement: TTN is on the minus strand). VCF-style: chr2-178714137-C-G. GRCh37 (hg19) VCF-style: chr2-179578864-C-G.
Other names: c.25570G>C, p.Val8524Leu (NM_001256850.1); c.22789G>C, p.Val7597Leu (NM_133378.4); c.13282+23945G>C (NM_003319.4); c.13858+23945G>C (NM_133437.4); c.13657+23945G>C (NM_133432.3); short protein forms V7597L, V8524L, V8841L.
Identifiers: ClinVar variation 1700543 (VCV001700543.2), dbSNP rs2154297041, ClinGen allele CA349468485.
Genomic context (GRCh38, chr2:178,714,137, plus strand): 5'-TACTGAGTTCAGGGGTGCCAGCTACTGTACACTCCAAGGTACAGGTGTCTCCCGTGGTAA[C>G]TTTTATGGATTCTGGCTTTTCTACAATTGTTGCAGGCTCTGGAATGAAATGTAAAAGATA-3'
Protein context (NP_001254479.2, residues 8831-8851): TIVEKPESIK[Val8841Leu]TTGDTCTLEC